The following is an entry in ClinVar:

ClinVar aggregate classification (germline): Likely pathogenic (0 of 4 stars; one submission).

Conditions:
Autosomal dominant medullary cystic kidney disease with or without hyperuricemia. Identifiers: Orphanet 34149, MedGen C4511620, MONDO:0008264.

Submission:

Sydney Genome Diagnostics, Children's Hospital Westmead
Classification: Likely pathogenic for Autosomal dominant medullary cystic kidney disease with or without hyperuricemia. Last evaluated: 2018-09-19. Review status: no assertion criteria provided. Collection method: clinical testing. Allele origin: unknown. Affected: yes. Observed: 1 variant allele, 1 heterozygote.
Comment: This variant has not been reported in any population databases (i.e. gnomAD, ExAC, ESP or dbSNP) and to our knowledge, has not been previously reported in the literature or any disease specific databases. In silico analysis of pathogenicity (through Alamut Visual v2.8.1) using PolyPhen2, SIFT and MutationTaster suggest that this variant is likely to be pathogenic. p.(Cys137Trp) alters a conserved cysteine residue in an EGF like domain and likely leads to protein misfolding, either by disrupting a native disulfide bond or by destabilising protein structure (Devuyst et al 2017 Nature reviews. Nephrology 13 (9):525). This variant is considered to be likely pathogenic according to the ACMG guidelines.

NM_003361.4(UMOD):c.411C>G (p.Cys137Trp)

Gene: UMOD (uromodulin; minus strand). Cytogenetic location: 16p12.3.
Variant type: single nucleotide variant.
Coding change: c.411C>G on transcript NM_003361.4 (MANE Select); coding-DNA position 411, C replaced by G.
Protein change: p.Cys137Trp; replaces cysteine 137 with tryptophan.
Molecular consequence: missense variant. On other transcripts: non-coding transcript variant (1).
Genome position (GRCh38, 1-based): chr16:20,348,890, G>C on the plus strand (C>G on the coding strand, the complement: UMOD is on the minus strand). VCF-style: chr16-20348890-G-C. GRCh37 (hg19) VCF-style: chr16-20360212-G-C.
Other names: c.411C>G, p.Cys137Trp (NM_001008389.3, NM_001378232.1, NM_001378233.1 and 3 more transcripts); c.510C>G, p.Cys170Trp (NM_001278614.2); short protein forms C137W, C170W.
Identifiers: ClinVar variation 988208 (VCV000988208.1), dbSNP rs1197633531, ClinGen allele CA394986056.